The following is an entry in ClinVar:

NM_001367479.1(DNAH14):c.11587G>A (p.Glu3863Lys)

Gene: DNAH14 (dynein axonemal heavy chain 14; plus strand). Cytogenetic location: 1q42.12.
Variant type: single nucleotide variant.
Coding change: c.11587G>A on transcript NM_001367479.1 (MANE Select); coding-DNA position 11587, G replaced by A.
Protein change: p.Glu3863Lys; replaces glutamic acid 3863 with lysine.
Molecular consequence: missense variant.
Genome position (GRCh38, 1-based): chr1:225,353,856, G>A. VCF-style: chr1-225353856-G-A. GRCh37 (hg19) VCF-style: chr1-225541558-G-A.
Other names: short protein forms E3863K.
Identifiers: ClinVar variation 4845473 (VCV004845473.1).

ClinVar aggregate classification (germline): Uncertain significance (1 of 4 stars; one submission).

Submission:

Greenwood Genetic Center Diagnostic Laboratories, Greenwood Genetic Center
Classification: Uncertain significance. Last evaluated: 2025-11-19. Review status: criteria provided, single submitter. Criteria: ACMG Guidelines, 2015. Collection method: clinical testing. Allele origin: germline. Affected: yes.
Comment: Gene of Uncertain Significance